The following is an entry in ClinVar:

NM_138711.6(PPARG):c.250C>T (p.Pro84Ser)

Gene: PPARG (peroxisome proliferator activated receptor gamma; plus strand). Cytogenetic location: 3p25.2.
Variant type: single nucleotide variant.
Coding change: c.250C>T on transcript NM_138711.6 (MANE Select); coding-DNA position 250, C replaced by T.
Protein change: p.Pro84Ser; replaces proline 84 with serine.
Molecular consequence: missense variant. On other transcripts: 5 prime UTR variant (1).
Genome position (GRCh38, 1-based): chr3:12,381,351, C>T. VCF-style: chr3-12381351-C-T. GRCh37 (hg19) VCF-style: chr3-12422850-C-T.
Other names: c.250C>T, p.Pro84Ser (NM_001330615.4, NM_001354666.3, NM_001354667.3 and 6 more transcripts); c.340C>T, p.Pro114Ser (NM_001354668.2, NM_001374265.1, NM_015869.5); c.-178C>T (NM_001354669.2); c.256C>T, p.Pro86Ser (NM_001354670.2, NM_001374266.1); short protein forms P114S, P84S, P86S.
Identifiers: ClinVar variation 4990038 (VCV004990038.1).

ClinVar aggregate classification (germline): Uncertain significance (1 of 4 stars; one submission).

Conditions:
PPARG-related disorder. Also called: PPARG-related disorders; PPARG-related condition.

gnomAD v4.1: 2 of 1,613,158 alleles (0.00012%); highest among the groups gnomAD compares: African/African-American, 0.0027%; no homozygotes.

Submission:

PreventionGenetics, part of Exact Sciences
Classification: Uncertain significance for PPARG-related condition. Last evaluated: 2026-02-09. Review status: criteria provided, single submitter. Criteria: ACMG Guidelines, 2015. Collection method: clinical testing. Allele origin: germline.
Comment: The PPARG c.340C>T variant is predicted to result in the amino acid substitution p.Pro114Ser. To our knowledge, this variant has not been reported in the literature. This variant is reported in 0.0062% of alleles in individuals of African descent in gnomAD. At this time, the clinical significance of this variant is uncertain due to the absence of conclusive functional and genetic evidence.